The following is an entry in ClinVar:

ClinVar aggregate classification (germline): Uncertain significance (1 of 4 stars; one submission).

Conditions:
Inborn genetic diseases. Identifiers: MedGen C0950123, MeSH D030342.

gnomAD v4.1: 1 of 1,601,882 alleles (0.000062%); highest among the groups gnomAD compares: Admixed American, 0.0017%; no homozygotes.

Submission:

Ambry Genetics
Classification: Uncertain significance for Inborn genetic diseases. Last evaluated: 2019-12-19. Review status: criteria provided, single submitter. Criteria: Ambry Variant Classification Scheme 2023. Collection method: clinical testing. Allele origin: germline.
Comment: The alteration results in an amino acid change:_x000D_ _x000D_ The c.24G>T (p.E8D) alteration is located in coding exon 1 of the MAPK8IP3 gene. This alteration results from a G to T substitution at nucleotide position 24, causing the glutamic acid (E) at amino acid position 8 to be replaced by an aspartic acid (D). The alteration is rare in population databases: _x000D_ _x000D_ Based on data from the Genome Aggregation Database (gnomAD), the c.24G>T alteration was observed in 0.00044% (1/227404) of total alleles studied. The altered amino acid is not conserved throughout evolution:_x000D_ _x000D_ The p.E8 amino acid is conserved through mammals, but aspartic acid (D) is the reference amino acid in non-mammalian vertebrates. The alteration is predicted tolerated by in silico modeling:_x000D_ _x000D_ The p.E8D alteration is predicted to be tolerated by in silico analysis. Based on insufficient or conflicting evidence, the clinical significance of this alteration remains unclear.

NM_001318852.2(MAPK8IP3):c.24G>T (p.Glu8Asp)

Gene: MAPK8IP3 (mitogen-activated protein kinase 8 interacting protein 3; plus strand). Cytogenetic location: 16p13.3.
Variant type: single nucleotide variant.
Coding change: c.24G>T on transcript NM_001318852.2 (MANE Select); coding-DNA position 24, G replaced by T.
Protein change: p.Glu8Asp; replaces glutamic acid 8 with aspartic acid.
Molecular consequence: missense variant.
Genome position (GRCh38, 1-based): chr16:1,706,363, G>T. VCF-style: chr16-1706363-G-T. GRCh37 (hg19) VCF-style: chr16-1756364-G-T.
Other names: c.24G>T, p.Glu8Asp (NM_001040439.2, NM_015133.5); short protein forms E8D.
Identifiers: ClinVar variation 984995 (VCV000984995.4), dbSNP rs946554586, ClinGen allele CA394212194.
Genomic context (GRCh38, chr16:1,706,363, plus strand): 5'-CGGATAGCGAGCCGCGCTGGCGGCGGCGGTGGCCGCGATGATGGAGATCCAGATGGACGA[G>T]GGCGGCGGCGTGGTGGTGTACCAGGACGACTACTGCTCCGGCTCGGTGATGTCGGAGCGG-3'
Protein context (NP_001305781.1, residues 1-18): MMEIQMD[Glu8Asp]GGGVVVYQDD